The following is an entry in ClinVar:

NM_001378457.1(DMXL2):c.3395G>A (p.Gly1132Glu)

Gene: DMXL2 (Dmx like 2; minus strand). Cytogenetic location: 15q21.2.
Variant type: single nucleotide variant.
Coding change: c.3395G>A on transcript NM_001378457.1 (MANE Select); coding-DNA position 3395, G replaced by A.
Protein change: p.Gly1132Glu; replaces glycine 1132 with glutamic acid.
Molecular consequence: missense variant. On other transcripts: non-coding transcript variant (2), intron variant (2).
Genome position (GRCh38, 1-based): chr15:51,499,829, C>T on the plus strand (G>A on the coding strand, the complement: DMXL2 is on the minus strand). VCF-style: chr15-51499829-C-T. GRCh37 (hg19) VCF-style: chr15-51792026-C-T.
Other names: c.3395G>A, p.Gly1132Glu (NM_001174116.3, NM_001378458.1, NM_001378459.1 and 4 more transcripts); c.3155G>A, p.Gly1052Glu (NM_001378464.1); c.2764+7305G>A (NM_001378460.1); c.2765-4695G>A (NM_001174117.3); short protein forms G1052E, G1132E.
Identifiers: ClinVar variation 4536012 (VCV004536012.1).
Genomic context (GRCh38, chr15:51,499,829, plus strand): 5'-TCTGACTTGCTATACACAAACAGATTACTGTCGACGCTGACCCTTGAATCAAGTACACTC[C>T]CAACCTTAACCAAATCATCAAGATGAATTGTTTGTTCTAAAACCCACTCTGATCCTCCTG-3'
Protein context (NP_001365386.1, residues 1122-1142): TIHLDDLVKV[Gly1132Glu]SVLDSRVSVD

ClinVar aggregate classification (germline): Uncertain significance (1 of 4 stars; one submission).

gnomAD v4.1: 1 of 1,614,160 alleles (0.000062%); highest among the groups gnomAD compares: Non-Finnish European, 0.000085%; no homozygotes.

Submission:

Women's Health and Genetics/Laboratory Corporation of America, LabCorp
Classification: Uncertain significance. Last evaluated: 2025-09-24. Review status: criteria provided, single submitter. Criteria: LabCorp Variant Classification Summary - May 2015. Collection method: clinical testing. Allele origin: germline.
Comment: Variant summary: DMXL2 c.3395G>A (p.Gly1132Glu) results in a non-conservative amino acid change in the encoded protein sequence. Algorithms developed to predict the effect of missense changes on protein structure and function are either unavailable or do not agree on the potential impact of this missense change. The variant allele was found at a frequency of 4e-06 in 250972 control chromosomes. The available data on variant occurrences in the general population are insufficient to allow any conclusion about variant significance. To our knowledge, no occurrence of c.3395G>A in individuals affected with DMXL2-related conditions and no experimental evidence demonstrating its impact on protein function have been reported. No submitters have cited clinical-significance assessments for this variant to ClinVar. Based on the evidence outlined above, the variant was classified as uncertain significance.